The following is an entry in ClinVar:

ClinVar aggregate classification (germline): Conflicting classifications of pathogenicity. Review status: criteria provided, conflicting classifications (1 of 4 stars). 2 submissions from 2 submitters: Uncertain significance (1); Likely benign (1). Last evaluated 2025-10-27.

Conditions:
Adams-Oliver syndrome 5 (AOS5). Identifiers: Orphanet 974, MedGen C4014970, MONDO:0014459, OMIM 616028.
Familial thoracic aortic aneurysm and aortic dissection (TAAD). Also called: Thoracic aortic aneurysms and dissections. Identifiers: Orphanet 91387, MedGen C4707243, MONDO:0019625.

Allele frequency attached by ClinVar (database versions not stated): gnomAD 0.00001; gnomAD exomes 0.00001; TOPMed 0.00002; ExAC 0.00003.

Submissions (2):

Labcorp Genetics (formerly Invitae), Labcorp
Classification: Likely benign for Adams-Oliver syndrome 5. Last evaluated: 2025-10-27. Review status: criteria provided, single submitter. Criteria: Invitae Variant Classification Sherloc (09022015). Collection method: clinical testing. Allele origin: germline.

Ambry Genetics
Classification: Uncertain significance for Familial thoracic aortic aneurysm and aortic dissection. Last evaluated: 2023-07-13. Review status: criteria provided, single submitter. Criteria: Ambry Variant Classification Scheme 2023. Collection method: clinical testing. Allele origin: germline.
Comment: The p.S2492L variant (also known as c.7475C>T), located in coding exon 34 of the NOTCH1 gene, results from a C to T substitution at nucleotide position 7475. The serine at codon 2492 is replaced by leucine, an amino acid with dissimilar properties. This amino acid position is conserved. In addition, this alteration is predicted to be tolerated by in silico analysis. Since supporting evidence is limited at this time, the clinical significance of this alteration remains unclear.

NM_017617.5(NOTCH1):c.7475C>T (p.Ser2492Leu)

Gene: NOTCH1 (notch receptor 1; minus strand). Cytogenetic location: 9q34.3.
Variant type: single nucleotide variant.
Coding change: c.7475C>T on transcript NM_017617.5 (MANE Select); coding-DNA position 7475, C replaced by T.
Protein change: p.Ser2492Leu; replaces serine 2492 with leucine.
Molecular consequence: missense variant.
Genome position (GRCh38, 1-based): chr9:136,496,264, G>A on the plus strand (C>T on the coding strand, the complement: NOTCH1 is on the minus strand). VCF-style: chr9-136496264-G-A. GRCh37 (hg19) VCF-style: chr9-139390716-G-A.
Other names: c.7475C>T (NM_017617.3); short protein forms S2492L.
Identifiers: ClinVar variation 2151452 (VCV002151452.6), dbSNP rs751367016, ClinGen allele CA5339664.
Genomic context (GRCh38, chr9:136,496,264, plus strand): 5'-GGGGTGAGGAAGGGGTGCTCAGGCACCTGTAGCTGGTGGCTGGGGGTGTTGTCCACAGGC[G>A]AGGAGTAGCTGTGCTGCGAGGGGGGCGTCAGGAACTGGGCTGCGGTCACGGGTGGGACCA-3'
Protein context (NP_060087.3, residues 2482-2502): LTPPSQHSYS[Ser2492Leu]PVDNTPSHQL